The following is an entry in ClinVar:

NM_000051.4(ATM):c.2193C>A (p.Tyr731Ter)

Gene: ATM (ATM serine/threonine kinase; plus strand). Cytogenetic location: 11q22.3.
Variant type: single nucleotide variant.
Coding change: c.2193C>A on transcript NM_000051.4 (MANE Select); coding-DNA position 2193, C replaced by A.
Protein change: p.Tyr731Ter; replaces tyrosine 731 with a stop codon.
Molecular consequence: nonsense.
Genome position (GRCh38, 1-based): chr11:108,256,283, C>A. VCF-style: chr11-108256283-C-A. GRCh37 (hg19) VCF-style: chr11-108127010-C-A.
Other names: c.2193C>A, p.Tyr731Ter (NM_001351834.2); short protein forms Y731*.
Identifiers: ClinVar variation 453407 (VCV000453407.17), dbSNP rs2229019, ClinGen allele CA382538927.
Genomic context (GRCh38, chr11:108,256,283, plus strand): 5'-TTCAGAAACTCTTGTCCGGTGTTCACGTCTTTTGGTGGGTGTCCTTGGCTGCTACTGTTA[C>A]ATGGGTGTAATAGCTGAAGAGGAAGCATATAAGTCAGAATTATTCCAGAAAGCCAAGGTA-3'

ClinVar aggregate classification (germline): Pathogenic/Likely pathogenic. Review status: criteria provided, multiple submitters, no conflicts (2 of 4 stars). 9 submissions from 9 submitters: Pathogenic (8); Likely pathogenic (1). Last evaluated 2025-09-24.

Conditions:
Ataxia-telangiectasia syndrome (AT). Also called: LOUIS-BAR SYNDROME; Ataxia telangiectasia (A-T); Cerebello-oculocutaneous telangiectasia; Immunodeficiency with ataxia telangiectasia; Ataxia-telangiectasia, complementation group E; ATAXIA-TELANGIECTASIA, COMPLEMENTATION GROUP A. Identifiers: Orphanet 100, MedGen C0004135, MONDO:0008840, OMIM 208900.
Familial colorectal cancer type X. Identifiers: Orphanet 440437, MedGen C3896578, MONDO:0018604.
Familial cancer of breast. Also called: BREAST CANCER, FAMILIAL; Hereditary breast cancer; hereditary breast carcinoma. Identifiers: Orphanet 227535, MedGen C0346153, MONDO:0016419, OMIM 114480. Disease mechanism: loss of function.
ATM-related cancer predisposition. Also called: ATM-related cancer susceptibility. Identifiers: MedGen CN377759, MONDO:0700270.
Hereditary cancer-predisposing syndrome. Also called: Hereditary Cancer Syndrome; Tumor predisposition; Neoplastic Syndromes, Hereditary; Hereditary neoplastic syndrome. Identifiers: Orphanet 140162, MedGen C0027672, MeSH D009386, MONDO:0015356.

Submissions (9):

Institute for Genomic Medicine (IGM) Clinical Laboratory, Nationwide Children's Hospital
Classification: Pathogenic for ATM-related cancer predisposition. Last evaluated: 2025-09-24. Review status: criteria provided, single submitter. Criteria: ACMG Guidelines, 2015. Collection method: clinical testing. Allele origin: germline.
Comment: This variant is predicted to result in loss of function through nonsense-mediated decay of the encoded transcript or premature truncation of the encoded protein in a gene in which loss of function is a known mechanism of disease (ACMG/AMP: PVS1). This variant has been reported at an elevated frequency in affected individuals/in multiple affected individuals in the literature (ACMG/AMP: PS4_Supporting; PMID:29506079). This variant is absent from or present at an exceedingly low frequency in gnomAD, a large-scale control population database (ACMG/AMP: PM2).

Labcorp Genetics (formerly Invitae), Labcorp
Classification: Pathogenic for Ataxia-telangiectasia syndrome. Last evaluated: 2025-04-21. Review status: criteria provided, single submitter. Criteria: Invitae Variant Classification Sherloc (09022015). Collection method: clinical testing. Allele origin: germline.
Comment: This sequence change creates a premature translational stop signal (p.Tyr731*) in the ATM gene. It is expected to result in an absent or disrupted protein product. Loss-of-function variants in ATM are known to be pathogenic (PMID: 23807571, 25614872). This variant is not present in population databases (gnomAD no frequency). This premature translational stop signal has been observed in individual(s) with breast cancer (PMID: 29506079). ClinVar contains an entry for this variant (Variation ID: 453407). RNA analysis performed to evaluate the impact of this premature translational stop signal on mRNA splicing indicates it does not significantly alter splicing (internal data). For these reasons, this variant has been classified as Pathogenic.

Fulgent Genetics
Classification: Pathogenic for Familial cancer of breast; Ataxia-telangiectasia syndrome. Last evaluated: 2024-04-15. Review status: criteria provided, single submitter. Criteria: ACMG Guidelines, 2015. Collection method: clinical testing. Allele origin: germline.

Natera, Inc.
Classification: Likely pathogenic for Ataxia-telangiectasia. Last evaluated: 2024-03-28. Review status: criteria provided, single submitter. Criteria: Natera Variant Classification Schema (03/2026). Collection method: clinical testing. Allele origin: germline.
Comment: The c.2193C>A variant in ATM is a nonsense variant predicted to introduce a stop codon at amino acid 731. This variant is expected to result in nonsense mediated decay, truncation, or a dysfunctional protein product. This variant is rare in the general population with a frequency below the threshold expected for the associated phenotype(s). Given the available evidence, this variant is classified as Likely Pathogenic.

Baylor Genetics
Classification: Pathogenic for Familial cancer of breast. Last evaluated: 2024-02-27. Review status: criteria provided, single submitter. Criteria: ACMG Guidelines, 2015. Collection method: clinical testing. Allele origin: unknown.

GeneDx
Classification: Pathogenic. Last evaluated: 2024-01-21. Review status: criteria provided, single submitter. Criteria: GeneDx Variant Classification Process June 2021. Collection method: clinical testing. Allele origin: germline. Affected: yes.
Comment: Nonsense variant predicted to result in protein truncation or nonsense mediated decay in a gene for which loss of function is a known mechanism of disease; Identified in the heterozygous state in an individual with breast cancer (PMID: 29506079); Not observed at significant frequency in large population cohorts (gnomAD); Truncating variants in this gene are considered pathogenic by a well-established clinical consortium and/or database; This variant is associated with the following publications: (PMID: 29506079, 27535533)

Myriad Genetics, Inc.
Classification: Pathogenic for Familial cancer of breast. Last evaluated: 2024-01-17. Review status: criteria provided, single submitter. Criteria: Myriad Autosomal Dominant, Autosomal Recessive and X-Linked Classification Criteria (2023). Collection method: clinical testing. Allele origin: unknown.
Comment: This variant is considered pathogenic. This variant creates a termination codon and is predicted to result in premature protein truncation.

Ambry Genetics
Classification: Pathogenic for Hereditary cancer-predisposing syndrome. Last evaluated: 2023-03-08. Review status: criteria provided, single submitter. Criteria: Ambry Variant Classification Scheme 2023. Collection method: clinical testing. Allele origin: germline.
Comment: The p.Y731* pathogenic mutation (also known as c.2193C>A), located in coding exon 13 of the ATM gene, results from a C to A substitution at nucleotide position 2193. This changes the amino acid from a tyrosine to a stop codon within coding exon 13. In addition to the clinical data presented in the literature, this alteration is expected to result in loss of function by premature protein truncation or nonsense-mediated mRNA decay. As such, this alteration is interpreted as a disease-causing mutation.

Department of Pathology and Laboratory Medicine, Sinai Health System
Classification: Pathogenic for Familial colorectal cancer type X. Last evaluated: 2021-07-29. Review status: criteria provided, single submitter. Criteria: ACMG Guidelines, 2015. Collection method: clinical testing. Allele origin: germline. Affected: yes.

Literature cited by the submitters: PubMed 29506079 (cited by 4 submitters); PubMed 23807571 (cited by Labcorp Genetics (formerly Invitae), Labcorp); PubMed 25614872 (cited by Labcorp Genetics (formerly Invitae), Labcorp); PubMed 12655570 (cited by Ambry Genetics).